The following is an entry in ClinVar:

ClinVar aggregate classification (germline): Conflicting classifications of pathogenicity. Review status: criteria provided, conflicting classifications (1 of 4 stars). 5 submissions from 4 submitters: Uncertain significance (2); Likely benign (3). Last evaluated 2024-09-04.

Conditions:
Cardiovascular phenotype. Identifiers: MedGen CN230736.
Hypercholesterolemia, autosomal dominant, type B (FHCL2). Also called: Familial hypercholesterolemia 2; APOB-Related Familial Hypercholesterolemia, Autosomal Dominant; APOLIPOPROTEIN B-100, FAMILIAL DEFECTIVE; APOLIPOPROTEIN B-100, FAMILIAL LIGAND-DEFECTIVE; Familial Hypercholesterolemia Type B; HYPERCHOLESTEROLEMIA, FAMILIAL, DUE TO LIGAND-DEFECTIVE APOLIPOPROTEIN B. Identifiers: MedGen C1704417, MONDO:0007751, OMIM 144010.
Familial hypobetalipoproteinemia 1. Also called: APOB-Related Familial Hypobetalipoproteinemia; Hypobetalipoproteinemia, normotriglyceridemic; Acanthocytosis with hypobetalipoproteinemia. Identifiers: MedGen C4551990, MONDO:0014252, OMIM 615558.

Allele frequency attached by ClinVar (database versions not stated): gnomAD exomes below 0.00001; TOPMed 0.00004.
gnomAD v4.1: 7 of 1,614,060 alleles (0.00043%); highest among the groups gnomAD compares: East Asian, 0.0045%; no homozygotes.

Submissions (5):

Labcorp Genetics (formerly Invitae), Labcorp
Classification: Likely benign for Familial hypobetalipoproteinemia 1; Hypercholesterolemia, autosomal dominant, type B. Last evaluated: 2024-09-04. Review status: criteria provided, single submitter. Criteria: Invitae Variant Classification Sherloc (09022015). Collection method: clinical testing. Allele origin: germline.

CeGaT Center for Human Genetics Tuebingen
Classification: Likely benign. Last evaluated: 2024-02-01. Review status: criteria provided, single submitter. Criteria: CeGaT Center For Human Genetics Tuebingen Variant Classification Criteria Version 2. Collection method: clinical testing. Allele origin: germline. Affected: yes. Observed: 1 variant allele.
Comment: APOB: BP4, BP7

Ambry Genetics
Classification: Likely benign for Cardiovascular phenotype. Last evaluated: 2019-08-01. Review status: criteria provided, single submitter. Criteria: Ambry Variant Classification Scheme 2023. Collection method: clinical testing. Allele origin: germline.

Illumina Laboratory Services, Illumina
Classification: Uncertain significance for Hypercholesterolemia, autosomal dominant, type B. Last evaluated: 2018-01-12. Review status: criteria provided, single submitter. Criteria: ICSL Variant Classification Criteria 13 December 2019. Collection method: clinical testing. Allele origin: germline.

Illumina Laboratory Services, Illumina
Classification: Uncertain significance for Familial hypobetalipoproteinemia 1. Last evaluated: 2018-01-12. Review status: criteria provided, single submitter. Criteria: ICSL Variant Classification Criteria 13 December 2019. Collection method: clinical testing. Allele origin: germline.

NM_000384.3(APOB):c.11541C>T (p.Ile3847=)

Gene: APOB (apolipoprotein B; minus strand). Cytogenetic location: 2p24.1.
Variant type: single nucleotide variant.
Coding change: c.11541C>T on transcript NM_000384.3 (MANE Select); coding-DNA position 11541, C replaced by T.
Protein change: p.Ile3847=; no amino-acid change (isoleucine 3847 retained).
Molecular consequence: synonymous variant.
Genome position (GRCh38, 1-based): chr2:21,005,327, G>A on the plus strand (C>T on the coding strand, the complement: APOB is on the minus strand). VCF-style: chr2-21005327-G-A. GRCh37 (hg19) VCF-style: chr2-21228199-G-A.
Identifiers: ClinVar variation 334097 (VCV000334097.36), dbSNP rs886055577, ClinGen allele CA10614142.